The following is an entry in ClinVar:

NM_172364.5(CACNA2D4):c.1272G>A (p.Lys424=)

Gene: CACNA2D4 (calcium voltage-gated channel auxiliary subunit alpha2delta 4; minus strand). Cytogenetic location: 12p13.33.
Variant type: single nucleotide variant.
Coding change: c.1272G>A on transcript NM_172364.5 (MANE Select); coding-DNA position 1272, G replaced by A.
Protein change: p.Lys424=; no amino-acid change (lysine 424 retained).
Molecular consequence: synonymous variant.
Genome position (GRCh38, 1-based): chr12:1,884,768, C>T on the plus strand (G>A on the coding strand, the complement: CACNA2D4 is on the minus strand). VCF-style: chr12-1884768-C-T. GRCh37 (hg19) VCF-style: chr12-1993934-C-T.
Identifiers: ClinVar variation 1019904 (VCV001019904.7), dbSNP rs1329260082, ClinGen allele CA477865963.

ClinVar aggregate classification (germline): Uncertain significance (1 of 4 stars; one submission).

Allele frequency attached by ClinVar (database versions not stated): gnomAD exomes below 0.00001.
gnomAD v4.1: 1 of 1,609,834 alleles (0.000062%); highest among the groups gnomAD compares: Non-Finnish European, 0.000085%; no homozygotes.

Submission:

Labcorp Genetics (formerly Invitae), Labcorp
Classification: Uncertain significance. Last evaluated: 2020-02-18. Review status: criteria provided, single submitter. Criteria: Invitae Variant Classification Sherloc (09022015). Collection method: clinical testing. Allele origin: germline.
Comment: Nucleotide substitutions within the consensus splice site are a relatively common cause of aberrant splicing (PMID: 17576681, 9536098). Algorithms developed to predict the effect of sequence changes on RNA splicing suggest that this variant may disrupt the consensus splice site, but this prediction has not been confirmed by published transcriptional studies. In summary, the available evidence is currently insufficient to determine the role of this variant in disease. Therefore, it has been classified as a Variant of Uncertain Significance. This sequence change affects codon 424 of the CACNA2D4 mRNA. It is a 'silent' change, meaning that it does not change the encoded amino acid sequence of the CACNA2D4 protein. This variant also falls at the last nucleotide of exon 11 of the CACNA2D4 coding sequence, which is part of the consensus splice site for this exon. This variant is not present in population databases (ExAC no frequency). This variant has not been reported in the literature in individuals with CACNA2D4-related conditions.

Literature cited by the submitters: PubMed 17576681; PubMed 9536098.